The following is an entry in ClinVar:

ClinVar aggregate classification (germline): Uncertain significance (1 of 4 stars; one submission).

Conditions:
Neuropathy, hereditary sensory and autonomic, type 1C. Also called: HSAN IC; HSN IC. Identifiers: Orphanet 36386, MedGen C3150896, MONDO:0013337, OMIM 613640.

Allele frequency attached by ClinVar (database versions not stated): gnomAD exomes 0.00001; TOPMed 0.00001.
gnomAD v4.1: 3 of 1,614,080 alleles (0.00019%); highest among the groups gnomAD compares: African/African-American, 0.0013%; no homozygotes.

Submission:

Labcorp Genetics (formerly Invitae), Labcorp
Classification: Uncertain significance for Neuropathy, hereditary sensory and autonomic, type 1C. Last evaluated: 2020-07-15. Review status: criteria provided, single submitter. Criteria: Invitae Variant Classification Sherloc (09022015). Collection method: clinical testing. Allele origin: germline.
Comment: This sequence change replaces tyrosine with cysteine at codon 156 of the SPTLC2 protein (p.Tyr156Cys). The tyrosine residue is moderately conserved and there is a large physicochemical difference between tyrosine and cysteine. This variant is not present in population databases (ExAC no frequency). This variant has not been reported in the literature in individuals with SPTLC2-related conditions. Algorithms developed to predict the effect of missense changes on protein structure and function are either unavailable or do not agree on the potential impact of this missense change (SIFT: "Deleterious"; PolyPhen-2: "Benign"; Align-GVGD: "Class C0"). Algorithms developed to predict the effect of sequence changes on RNA splicing suggest that this variant may create or strengthen a splice site, but this prediction has not been confirmed by published transcriptional studies. In summary, the available evidence is currently insufficient to determine the role of this variant in disease. Therefore, it has been classified as a Variant of Uncertain Significance.

NM_004863.4(SPTLC2):c.467A>G (p.Tyr156Cys)

Gene: SPTLC2 (serine palmitoyltransferase long chain base subunit 2; minus strand). Cytogenetic location: 14q24.3.
Variant type: single nucleotide variant.
Coding change: c.467A>G on transcript NM_004863.4 (MANE Select); coding-DNA position 467, A replaced by G.
Protein change: p.Tyr156Cys; replaces tyrosine 156 with cysteine.
Molecular consequence: missense variant.
Genome position (GRCh38, 1-based): chr14:77,578,970, T>C on the plus strand (A>G on the coding strand, the complement: SPTLC2 is on the minus strand). VCF-style: chr14-77578970-T-C. GRCh37 (hg19) VCF-style: chr14-78045313-T-C.
Other names: short protein forms Y156C.
Identifiers: ClinVar variation 1009829 (VCV001009829.8), dbSNP rs1271201080, ClinGen allele CA390700441.